The following is an entry in ClinVar:

ClinVar aggregate classification (germline): Uncertain significance (1 of 4 stars; one submission).

Conditions:
Cataract 19 multiple types. Also called: CATARACT 19, CORTICAL PULVERULENT; CATARACT 19, CONGENITAL TOTAL. Identifiers: Orphanet 91492, MedGen C3809004, MONDO:0014111, OMIM 615277.

Submission:

Labcorp Genetics (formerly Invitae), Labcorp
Classification: Uncertain significance for Cataract 19 multiple types. Last evaluated: 2024-05-18. Review status: criteria provided, single submitter. Criteria: Invitae Variant Classification Sherloc (09022015). Collection method: clinical testing. Allele origin: germline.
Comment: This sequence change replaces alanine, which is neutral and non-polar, with glycine, which is neutral and non-polar, at codon 98 of the LIM2 protein (p.Ala98Gly). This variant is present in population databases (rs765952705, gnomAD 0.01%). This variant has not been reported in the literature in individuals affected with LIM2-related conditions. An algorithm developed to predict the effect of missense changes on protein structure and function (PolyPhen-2) suggests that this variant is likely to be tolerated. In summary, the available evidence is currently insufficient to determine the role of this variant in disease. Therefore, it has been classified as a Variant of Uncertain Significance.

NM_001161748.2(LIM2):c.175+118C>G

Genes: LIM2 (lens intrinsic membrane protein 2; minus strand), LIM2-AS1 (LIM2 and SIGLEC10 antisense RNA 1; plus strand). Cytogenetic location: 19q13.41.
Variant type: single nucleotide variant.
Coding change: c.175+118C>G on transcript NM_001161748.2 (MANE Select); 118 bases into the intron after coding-DNA position 175, C replaced by G.
Molecular consequence: intron variant. On other transcripts: missense variant (1).
Genome position (GRCh38, 1-based): chr19:51,387,151, G>C on the plus strand (C>G on the coding strand, the complement: LIM2 is on the minus strand). VCF-style: chr19-51387151-G-C. GRCh37 (hg19) VCF-style: chr19-51890405-G-C.
Other names: c.293C>G, p.Ala98Gly (NM_030657.4); short protein forms A98G.
Identifiers: ClinVar variation 3646389 (VCV003646389.2).